The following is an entry in ClinVar:

NM_003200.5(TCF3):c.1049C>T (p.Ser350Leu)

Gene: TCF3 (transcription factor 3; minus strand). Cytogenetic location: 19p13.3.
Variant type: single nucleotide variant.
Coding change: c.1049C>T on transcript NM_003200.5 (MANE Select); coding-DNA position 1049, C replaced by T.
Protein change: p.Ser350Leu; replaces serine 350 with leucine.
Molecular consequence: missense variant.
Genome position (GRCh38, 1-based): chr19:1,621,012, G>A on the plus strand (C>T on the coding strand, the complement: TCF3 is on the minus strand). VCF-style: chr19-1621012-G-A. GRCh37 (hg19) VCF-style: chr19-1621011-G-A.
Other names: c.1049C>T, p.Ser350Leu (NM_001136139.4, NM_001351778.2, NM_001351779.2); c.[1049C>T] (NM_003200.5); short protein forms S350L.
Identifiers: ClinVar variation 1339126 (VCV001339126.4), dbSNP rs963433488, ClinGen allele CA304103331.

ClinVar aggregate classification (germline): Uncertain significance. Review status: criteria provided, multiple submitters, no conflicts (2 of 4 stars). 2 submissions from 2 submitters: Uncertain significance (2). Last evaluated 2024-11-14.

Conditions:
Agammaglobulinemia 8, autosomal dominant (AGM8A). Also called: AGAMMAGLOBULINEMIA 8A, AUTOSOMAL DOMINANT; AGAMMAGLOBULINEMIA, AUTOSOMAL DOMINANT, DUE TO TCF3 DEFECT. Identifiers: MedGen C4310786, MONDO:0014840, OMIM 616941.

Allele frequency attached by ClinVar (database versions not stated): gnomAD 0.00002; TOPMed 0.00004.
gnomAD v4.1: 10 of 1,521,358 alleles (0.00066%); highest among the groups gnomAD compares: African/African-American, 0.0028%; no homozygotes.

Submissions (2):

Labcorp Genetics (formerly Invitae), Labcorp
Classification: Uncertain significance. Last evaluated: 2024-11-14. Review status: criteria provided, single submitter. Criteria: Invitae Variant Classification Sherloc (09022015). Collection method: clinical testing. Allele origin: germline.
Comment: This sequence change replaces serine, which is neutral and polar, with leucine, which is neutral and non-polar, at codon 350 of the TCF3 protein (p.Ser350Leu). This variant is not present in population databases (gnomAD no frequency). This variant has not been reported in the literature in individuals affected with TCF3-related conditions. ClinVar contains an entry for this variant (Variation ID: 1339126). Invitae Evidence Modeling of protein sequence and biophysical properties (such as structural, functional, and spatial information, amino acid conservation, physicochemical variation, residue mobility, and thermodynamic stability) has been performed for this missense variant. However, the output from this modeling did not meet the statistical confidence thresholds required to predict the impact of this variant on TCF3 protein function. In summary, the available evidence is currently insufficient to determine the role of this variant in disease. Therefore, it has been classified as a Variant of Uncertain Significance.

Neuberg Centre For Genomic Medicine, NCGM
Classification: Uncertain significance for Agammaglobulinemia 8, autosomal dominant. Review status: criteria provided, single submitter. Criteria: ACMG Guidelines, 2015. Collection method: clinical testing. Allele origin: germline. Affected: yes.
Comment: The missense variant p.S350L in TCF3 (NM_003200.5) has not been reported previously as a pathogenic variant nor as a benign variant, to our knowledge. The p.S350L variant is novel (not in any individuals) in 1000 Genomes and novel (not in any individuals) in gnomAD Exomes. The p.S350L missense variant is predicted to be damaging by both SIFT and PolyPhen2. The nucleotide c.1049 in TCF3 is predicted conserved by GERP++ and PhyloP across 100 vertebrates. For these reasons, this variant has been classified as Uncertain Significance.